The following is an entry in ClinVar:

ClinVar aggregate classification (germline): Likely benign. Review status: criteria provided, single submitter (1 of 4 stars). 2 submissions from 2 submitters: Likely benign (1). 1 of the submissions does not count toward it. Last evaluated 2020-02-24.

Conditions:
NFIA-Related Disorder. Also called: NFIA-related condition; NFIA-related disorders. Identifiers: MedGen CN381099.

gnomAD v4.1: 145 of 1,405,988 alleles (0.01%); highest among the groups gnomAD compares: African/African-American, 0.17%; 1 homozygote.

Submissions (2):

GeneDx
Classification: Likely benign. Last evaluated: 2020-02-24. Review status: criteria provided, single submitter. Criteria: GeneDx Variant Classification Process June 2021. Collection method: clinical testing. Allele origin: germline. Affected: yes.

PreventionGenetics, part of Exact Sciences
Classification: Likely benign for NFIA-related condition. Last evaluated: 2019-11-08. Review status: no assertion criteria provided. Collection method: clinical testing. Allele origin: germline. Not counted in ClinVar's aggregate classification.
Comment: This variant is classified as likely benign based on ACMG/AMP sequence variant interpretation guidelines (Richards et al. 2015 PMID: 25741868, with internal and published modifications).

NM_001134673.4(NFIA):c.1255-7C>T

Gene: NFIA (nuclear factor I A; plus strand). Cytogenetic location: 1p31.3.
Variant type: single nucleotide variant.
Coding change: c.1255-7C>T on transcript NM_001134673.4 (MANE Select); 7 bases into the intron before coding-DNA position 1255, C replaced by T.
Molecular consequence: intron variant.
Genome position (GRCh38, 1-based): chr1:61,406,555, C>T. VCF-style: chr1-61406555-C-T. GRCh37 (hg19) VCF-style: chr1-61872227-C-T.
Other names: c.1231-7C>T (NM_001145511.2); c.1390-7C>T (NM_001145512.2); c.1255-7C>T (NM_005595.5, NM_005595.4).
Identifiers: ClinVar variation 1188003 (VCV001188003.4), dbSNP rs200406628, ClinGen allele CA881246.